The following is an entry in ClinVar:

ClinVar aggregate classification (germline): Uncertain significance (1 of 4 stars; one submission).

Conditions:
Combined oxidative phosphorylation defect type 7. Identifiers: Orphanet 254930, MedGen C3150801, MONDO:0013306, OMIM 613559.
Spastic paraplegia. Identifiers: MedGen C0037772, HP:0001258.

Submission:

Labcorp Genetics (formerly Invitae), Labcorp
Classification: Uncertain significance for Combined oxidative phosphorylation defect type 7; Spastic paraplegia. Last evaluated: 2022-09-27. Review status: criteria provided, single submitter. Criteria: Invitae Variant Classification Sherloc (09022015). Collection method: clinical testing. Allele origin: germline.
Comment: In summary, the available evidence is currently insufficient to determine the role of this variant in disease. Therefore, it has been classified as a Variant of Uncertain Significance. This variant has not been reported in the literature in individuals affected with C12orf65-related conditions. This variant results in a copy number gain of the genomic region encompassing exon(s) 2 of the C12orf65 gene. This region includes the initiator codon of the gene. This copy number gain extends beyond the assayed region for this gene and therefore may encompass additional genes. As the precise location of this event is unknown, it may be in tandem or it may be located elsewhere in the genome.

NC_000012.11:g.(?_123738222)_(123738523_?)dup

Gene: MTRFR (mitochondrial translation release factor in rescue; plus strand). Cytogenetic location: 12q24.31.
Variant type: Duplication.
Identifiers: ClinVar variation 2427352 (VCV002427352.4).